The following is an entry in ClinVar:

ClinVar aggregate classification (germline): Uncertain significance (1 of 4 stars; one submission).

Conditions:
Atrial fibrillation, familial, 11 (ATFB11). Identifiers: MedGen C3279693, MONDO:0013544, OMIM 614049.
Atrial standstill 1 (ATRST1). Also called: Atrial standstill, digenic (GJA5/SCN5A); ATRIAL CARDIOMYOPATHY WITH HEART BLOCK; CARDIOMYOPATHY, FAMILIAL, WITH CONDUCTION DISTURBANCE. Identifiers: Orphanet 1344, MedGen C4551959, MONDO:0007171, OMIM 108770.

Submission:

Labcorp Genetics (formerly Invitae), Labcorp
Classification: Uncertain significance for Atrial fibrillation, familial, 11; Atrial standstill 1. Last evaluated: 2022-09-01. Review status: criteria provided, single submitter. Criteria: Invitae Variant Classification Sherloc (09022015). Collection method: clinical testing. Allele origin: germline.
Comment: Experimental studies and prediction algorithms are not available or were not evaluated, and the functional significance of this variant is currently unknown. In summary, the available evidence is currently insufficient to determine the role of this variant in disease. Therefore, it has been classified as a Variant of Uncertain Significance. This variant is not present in population databases (gnomAD no frequency). This sequence change replaces leucine, which is neutral and non-polar, with isoleucine, which is neutral and non-polar, at codon 344 of the GJA5 protein (p.Leu344Ile). This variant has not been reported in the literature in individuals affected with GJA5-related conditions.

NM_181703.4(GJA5):c.1030C>A (p.Leu344Ile)

Gene: GJA5 (gap junction protein alpha 5; minus strand). Cytogenetic location: 1q21.2.
Variant type: single nucleotide variant.
Coding change: c.1030C>A on transcript NM_181703.4 (MANE Select); coding-DNA position 1030, C replaced by A.
Protein change: p.Leu344Ile; replaces leucine 344 with isoleucine.
Molecular consequence: missense variant.
Genome position (GRCh38, 1-based): chr1:147,758,209, G>T on the plus strand (C>A on the coding strand, the complement: GJA5 is on the minus strand). VCF-style: chr1-147758209-G-T. GRCh37 (hg19) VCF-style: chr1-147230317-G-T.
Other names: c.1030C>A, p.Leu344Ile (NM_005266.7); short protein forms L344I.
Identifiers: ClinVar variation 2010788 (VCV002010788.4), dbSNP rs2524607800, ClinGen allele CA342393537.